The following is an entry in ClinVar:

ClinVar aggregate classification (germline): Pathogenic. Review status: reviewed by expert panel (3 of 4 stars). 19 submissions from 19 submitters: Pathogenic (1). 18 of the submissions do not count toward it. Last evaluated 2024-09-17.
ClinVar aggregate classification (oncogenicity): Oncogenic (1 of 4 stars; one submission).

Conditions:
Noonan syndrome and Noonan-related syndrome. Identifiers: Orphanet 98733, MedGen C5681679, MONDO:0020297.
BRAF-related disorder. Also called: BRAF-related condition.
Cardio-facio-cutaneous syndrome. Also called: Cardiofaciocutaneous syndrome; CFC syndrome. Identifiers: Orphanet 1340, MedGen C1275081, MONDO:0015280. Disease mechanism: gain of function.
RASopathy. Also called: rasopathies; Noonan spectrum disorder. Identifiers: Orphanet 536391, MedGen C5555857, MONDO:0021060.
Noonan syndrome 7 (NS7). Also called: BRAF-Related Noonan Syndrome. Identifiers: Orphanet 648, MedGen C3150970, MONDO:0013379, OMIM 613706.
Noonan syndrome 1 (NS1). Also called: TURNER PHENOTYPE WITH NORMAL KARYOTYPE; PTPN11-Related Noonan Syndrome; FEMALE PSEUDO-TURNER SYNDROME. Identifiers: Orphanet 648, MedGen C4551602, MONDO:0008104, OMIM 163950. Disease mechanism: gain of function.
Cardiofaciocutaneous syndrome 1 (CFC1). Also called: BRAF-Related Cardiofaciocutaneous Syndrome. Identifiers: Orphanet 1340, MedGen CN029449, MONDO:0007265, OMIM 115150. Disease mechanism: gain of function.
Neoplasm. Also called: tumor; Neoplasms; Neoplasm (disease). Identifiers: MedGen C0027651, MeSH D009369, MONDO:0005070, HP:0002664.

Allele frequency attached by ClinVar (database versions not stated): ExAC 0.00001.

Submissions 1 to 10 of 20:

ClinGen RASopathy Variant Curation Expert Panel
Classification: Pathogenic for RASopathy. Last evaluated: 2024-09-17. Review status: reviewed by expert panel. Criteria: ClinGen RASopathy ACMG Specifications BRAF V2.1.0. Collection method: curation. Allele origin: germline. Inheritance: Autosomal dominant inheritance.
Comment: The c.1406G>A variant in BRAF is a missense variant predicted to cause substitution of glycine by glutamic acid at amino acid 469 (p.Gly469Glu). This variant is absent from gnomAD v4 (PM2_Supporting). The variant is located in the BRAF gene, which has been defined by the ClinGen RASopathy Expert Panel as a gene with a low rate of benign missense variants and pathogenic missense variants are common (PP2). The REVEL computational prediction analysis tool produced a score of 0.921, which is above the threshold necessary to apply PP3 (PP3). Furthermore, this variant is in a location which has been defined by the ClinGen RASopathy Expert Panel functional domain of BRAF (PM1). This variant has been reported in the literature in at least 12 patients with clinical features of RASopathy (PS4, PMIDs: 18042262, 16474404, 30141192, 29907801, 35418823), out of which 3 patients were reported as a confirmed de novo occurrence (PS2_VeryStrong; PMIDs: 18042262, 16474404). Luciferase assays showed that p.Gly469Glu did not enhance ELK-dependent transcription indicating that this variant impacts protein function (PS3_Supporting; 16474404). In summary, this variant meets criteria to be classified as pathogenic for autosomal dominant RASopathies based on the ACMG/AMP criteria applied, as specified by the ClinGen RASopathy Variant Curation Expert Panel: PS2_VeryStrong, PS4, PM1, PS3_Supporting, PM2_Supporting, PP2, PP3 (Specification Version 2.1, 9/17/2024)

Center for Genomic Medicine, Rigshospitalet, Copenhagen University Hospital
Classification: Oncogenic for Neoplasm. Last evaluated: 2025-12-29. Review status: criteria provided, single submitter. Criteria: ClinGen/CGC/VICC Guidelines for Oncogenicity, 2022. Collection method: clinical testing. Allele origin: somatic. Affected: yes.

Victorian Clinical Genetics Services, Murdoch Childrens Research Institute
Classification: Pathogenic for Cardiofaciocutaneous syndrome 1. Last evaluated: 2025-08-18. Review status: criteria provided, single submitter. Criteria: ACMG Guidelines, 2015. Collection method: clinical testing. Allele origin: germline. Affected: yes. Not counted in ClinVar's aggregate classification.
Comment: This variant is classified as Pathogenic. Evidence in support of pathogenic classification: Variant is absent from gnomAD (v2, v3 and v4); This variant has strong previous evidence of pathogenicity in unrelated individuals. This variant has been classified as pathogenic by the ClinGen RASopathy Variant Curation Expert Panel and by clinical laboratories in ClinVar. It has also reported in the literature in individuals with cardiofaciocutaneous syndrome (PMIDs: 35418823, 30141192, 16474404); Missense variant predicted to be damaging by in silico tool(s) or highly conserved with a major amino acid change; Additional information: Variant is predicted to result in a missense amino acid change from Gly to Glu; This variant is heterozygous; This gene is associated with autosomal dominant disease; Variant is located in the annotated protein tyrosine and serine/threonine kinase domain (DECIPHER); Gain of function is a known mechanism of disease in this gene and is associated with LEOPARD syndrome 3 (MIM#613707), cardiofaciocutaneous syndrome (MIM#115150), and Noonan syndrome 7 (MIM#613706) (PMIDs: 28783719, 29540830).

Labcorp Genetics (formerly Invitae), Labcorp
Classification: Pathogenic for RASopathy. Last evaluated: 2024-05-14. Review status: criteria provided, single submitter. Criteria: Invitae Variant Classification Sherloc (09022015). Collection method: clinical testing. Allele origin: germline. Not counted in ClinVar's aggregate classification.
Comment: This sequence change replaces glycine, which is neutral and non-polar, with glutamic acid, which is acidic and polar, at codon 469 of the BRAF protein (p.Gly469Glu). This variant is not present in population databases (gnomAD no frequency). This missense change has been observed in individual(s) with cardiofaciocutaneous syndrome (PMID: 16439621, 16474404, 18042262, 19206169). In at least one individual the variant was observed to be de novo. ClinVar contains an entry for this variant (Variation ID: 13974). Advanced modeling of protein sequence and biophysical properties (such as structural, functional, and spatial information, amino acid conservation, physicochemical variation, residue mobility, and thermodynamic stability) performed at Invitae indicates that this missense variant is expected to disrupt BRAF protein function with a positive predictive value of 80%. For these reasons, this variant has been classified as Pathogenic.

Genomic Medicine Center of Excellence, King Faisal Specialist Hospital and Research Centre
Classification: Pathogenic for Cardiofaciocutaneous syndrome 1. Last evaluated: 2024-03-17. Review status: criteria provided, single submitter. Criteria: ACMG Guidelines, 2015. Collection method: research. Allele origin: germline. Not counted in ClinVar's aggregate classification.

GeneDx
Classification: Pathogenic. Last evaluated: 2022-06-13. Review status: criteria provided, single submitter. Criteria: GeneDx Variant Classification Process June 2021. Collection method: clinical testing. Allele origin: germline. Affected: yes. Not counted in ClinVar's aggregate classification.
Comment: Published functional studies demonstrate a damaging effect on B-Raf activity and MEK and ERK phosphorylation (Rodriguez-Viciana et al., 2006); Missense variants in this gene are often considered pathogenic (HGMD); Not observed at significant frequency in large population cohorts (gnomAD); In silico analysis supports that this missense variant has a deleterious effect on protein structure/function; This variant is associated with the following publications: (PMID: 23093928, 34573299, 30141192, 34184824, 29907801, 18042262, 16474404, 16439621, 19206169, 24803665, 33040082)

Blueprint Genetics
Classification: Pathogenic for BRAF-related disorders. Last evaluated: 2021-08-31. Review status: criteria provided, single submitter. Criteria: ACMG Guidelines, 2015. Collection method: clinical testing. Allele origin: germline. Affected: yes. Observed: 1 variant allele. Not counted in ClinVar's aggregate classification.

Genome Diagnostics Laboratory, The Hospital for Sick Children
Classification: Pathogenic for Noonan syndrome and Noonan-related syndrome. Last evaluated: 2021-03-05. Review status: criteria provided, single submitter. Criteria: ACMG Guidelines, 2015. Collection method: clinical testing. Allele origin: germline. Affected: yes. Not counted in ClinVar's aggregate classification.

Mayo Clinic Laboratories, Mayo Clinic
Classification: Pathogenic. Last evaluated: 2020-06-23. Review status: criteria provided, single submitter. Criteria: ACMG Guidelines, 2015. Collection method: clinical testing. Allele origin: germline. Observed: 1 variant allele. Not counted in ClinVar's aggregate classification.
Comment: PP2, PP3, PM1, PM2, PS2_VeryStrong, PS3

Women's Health and Genetics/Laboratory Corporation of America, LabCorp
Classification: Pathogenic for Cardio-facio-cutaneous syndrome. Last evaluated: 2019-12-09. Review status: criteria provided, single submitter. Criteria: LabCorp Variant Classification Summary - May 2015. Collection method: clinical testing. Allele origin: germline. Not counted in ClinVar's aggregate classification.
Comment: Variant summary: BRAF c.1406G>A (p.Gly469Glu) results in a non-conservative amino acid change located in the protein kinase domain (IPR000719) of the encoded protein sequence. Five of five in-silico tools predict a damaging effect of the variant on protein function. The variant was absent in 251520 control chromosomes. c.1406G>A has been reported in the literature as a de-novo variant in multiple individuals affected with Cardiofaciocutaneous Syndrome (example, Nihori_2006, Smalley_2009, Sarkozy_2009, Pandit_2007, Schultz_2008, Greaves_2013, Ciara_2015, Lee_2011). These data indicate that the variant is very likely to be associated with disease. At least one publication reports experimental evidence evaluating an impact on protein function. The most pronounced variant effect results in an induction of ERK activation by trigerring C-RAF activity as a distinct mechanism of action (Wan_2004). Five clinical diagnostic laboratories and one expert panel (ClinGen RASopathy panel) have submitted clinical-significance assessments for this variant to ClinVar after 2014 without evidence for independent evaluation. All laboratories classified the variant as pathogenic. Based on the evidence outlined above, the variant was classified as pathogenic.

NM_004333.6(BRAF):c.1406G>A (p.Gly469Glu)

Gene: BRAF (B-Raf proto-oncogene, serine/threonine kinase; minus strand). Cytogenetic location: 7q34.
Variant type: single nucleotide variant.
Coding change: c.1406G>A on transcript NM_004333.6 (MANE Select); coding-DNA position 1406, G replaced by A.
Protein change: p.Gly469Glu; replaces glycine 469 with glutamic acid.
Molecular consequence: missense variant.
Genome position (GRCh38, 1-based): chr7:140,781,602, C>T on the plus strand (G>A on the coding strand, the complement: BRAF is on the minus strand). VCF-style: chr7-140781602-C-T. GRCh37 (hg19) VCF-style: chr7-140481402-C-T.
Other names: p.G469E:GGA>GAA; NM_004333.5(BRAF):c.1406G>A; NM_004333.6(BRAF):c.1406G>A; c.1406G>A, p.Gly469Glu (NM_001354609.2, NM_001378468.1, NM_001378474.1); c.1526G>A, p.Gly509Glu (NM_001374244.1, NM_001374258.1); c.1415G>A, p.Gly472Glu (NM_001378467.1); c.1340G>A, p.Gly447Glu (NM_001378469.1); c.1304G>A, p.Gly435Glu (NM_001378470.1); and 3 more; short protein forms G469E, G381E, G447E, G417E, G432E, G472E, G435E, G509E.
Identifiers: ClinVar variation 13974 (VCV000013974.54), dbSNP rs121913355, ClinGen allele CA279970.